The following is an entry in ClinVar:

ClinVar aggregate classification (germline): Uncertain significance (1 of 4 stars; one submission).

Submission:

Labcorp Genetics (formerly Invitae), Labcorp
Classification: Uncertain significance. Last evaluated: 2022-11-09. Review status: criteria provided, single submitter. Criteria: Invitae Variant Classification Sherloc (09022015). Collection method: clinical testing. Allele origin: germline.
Comment: This sequence change replaces isoleucine, which is neutral and non-polar, with valine, which is neutral and non-polar, at codon 276 of the NEDD4L protein (p.Ile276Val). This variant is not present in population databases (gnomAD no frequency). This variant has not been reported in the literature in individuals affected with NEDD4L-related conditions. ClinVar contains an entry for this variant (Variation ID: 1391931). Advanced modeling of protein sequence and biophysical properties (such as structural, functional, and spatial information, amino acid conservation, physicochemical variation, residue mobility, and thermodynamic stability) performed at Invitae indicates that this missense variant is not expected to disrupt NEDD4L protein function. In summary, the available evidence is currently insufficient to determine the role of this variant in disease. Therefore, it has been classified as a Variant of Uncertain Significance.

NM_001144967.3(NEDD4L):c.826A>G (p.Ile276Val)

Gene: NEDD4L (NEDD4 like E3 ubiquitin protein ligase; plus strand). Cytogenetic location: 18q21.31.
Variant type: single nucleotide variant.
Coding change: c.826A>G on transcript NM_001144967.3 (MANE Select); coding-DNA position 826, A replaced by G.
Protein change: p.Ile276Val; replaces isoleucine 276 with valine.
Molecular consequence: missense variant.
Genome position (GRCh38, 1-based): chr18:58,330,750, A>G. VCF-style: chr18-58330750-A-G. GRCh37 (hg19) VCF-style: chr18-55997982-A-G.
Other names: c.463A>G, p.Ile155Val (NM_001144964.1, NM_001144965.2, NM_001144966.3 and 2 more transcripts); c.802A>G, p.Ile268Val (NM_001144968.2, NM_001144969.2); c.826A>G, p.Ile276Val (NM_001243960.2, NM_015277.6); short protein forms I155V, I268V, I276V.
Identifiers: ClinVar variation 1391931 (VCV001391931.8), dbSNP rs2144696677, ClinGen allele CA402555359.